The following is an entry in ClinVar:

ClinVar aggregate classification (germline): Likely pathogenic (1 of 4 stars; one submission).

Conditions:
Immunodeficiency 96 (IMD96). Identifiers: MedGen C5676930, MONDO:0030693, OMIM 619774.

Submission:

Lifecell International Pvt. Ltd
Classification: Likely pathogenic for Immunodeficiency 96. Review status: criteria provided, single submitter. Criteria: ACMG Guidelines, 2015. Collection method: clinical testing. Allele origin: germline. Inheritance: Autosomal recessive inheritance. Affected: yes. Observed: 1 compound heterozygote.
Comment: A Heterozygous Frameshift variant c.2444delT in Exon 26 of the LIG1 gene that results in the amino acid substitution p.Leu815fs*12 was identified. The observed variant is novel in gnomAD exomes and genomes. The severity of the impact of this variant on the protein is high, based on the effect of the protein and REVEL score. Rare Exome Variant Ensemble Learner (REVEL) is an ensembl method for predicting the pathogenicity of missense variants based on a combination of scores from 13 individual tools: MutPred, FATHMM v2.3, VEST 3.0, PolyPhen-2, SIFT, PROVEAN, MutationAssessor, MutationTaster, LRT, GERP++, SiPhy, phyloP, and phastCons. The REVEL score for an individual missense variant can range from 0 to 1, with higher scores reflecting greater likelihood that the variant is disease-causing. For these reasons, this variant has been classified as Likely Pathogenic.

NM_000234.3(LIG1):c.2444del (p.Leu815fs)

Gene: LIG1 (DNA ligase 1; minus strand). Cytogenetic location: 19q13.33.
Variant type: Deletion.
Coding change: c.2444del on transcript NM_000234.3 (MANE Select); coding-DNA position 2444, one base deleted (T; older notation c.2444delT).
Protein change: p.Leu815fs; shifts the reading frame from leucine 815.
Molecular consequence: frameshift variant. On other transcripts: non-coding transcript variant (6).
Genome position (GRCh38, 1-based): chr19:48,117,777, A deleted on the plus strand (T on the coding strand, the reverse complement: LIG1 is on the minus strand). VCF-style (leftmost placement, unchanged base first): chr19-48117776-CA-C. GRCh37 (hg19) VCF-style: chr19-48621033-CA-C.
Other names: c.2351del, p.Leu784fs (NM_001289063.2); c.2240del, p.Leu747fs (NM_001289064.2); c.2441del, p.Leu814fs (NM_001320970.2); c.2354del, p.Leu785fs (NM_001320971.2); short protein forms L747fs, L784fs, L785fs, L814fs, L815fs.
Identifiers: ClinVar variation 2504596 (VCV002504596.1), dbSNP rs2513978101, ClinGen allele CA2580614928.
Genomic context (GRCh38, chr19:48,117,776, plus strand): 5'-CCAGTGGTCGGGAATCACAGCGCCATCTATCCGCACGTAAGGGCGTGGGCTGGGCAGCAC[CA>C]GCGCCTGCAGTGAGCAGAGGAAGAGAGGAACAGAGGGTCTGGAATCTCAAAGTCAAGGCC-3'